The following is an entry in ClinVar:

NM_002715.4(PPP2CA):c.75_76del (p.Glu25fs)

Genes: PPP2CA (protein phosphatase 2 catalytic subunit alpha; minus strand), MIR3661 (microRNA 3661; plus strand). Cytogenetic location: 5q31.1.
Variant type: Deletion.
Coding change: c.75_76del on transcript NM_002715.4 (MANE Select); coding-DNA positions 75 to 76, 2 bases deleted (GT; older notation c.75_76delGT).
Protein change: p.Glu25fs; shifts the reading frame from glutamic acid 25.
Molecular consequence: frameshift variant. On other transcripts: non-coding transcript variant (1).
Genome position (GRCh38, 1-based): chr5:134,225,786-134,225,787, AC deleted on the plus strand (GT on the coding strand, the reverse complement: PPP2CA is on the minus strand). VCF-style (leftmost placement, unchanged base first): chr5-134225785-GAC-G. GRCh37 (hg19) VCF-style: chr5-133561476-GAC-G.
Other names: short protein forms E25fs.
Identifiers: ClinVar variation 1431864 (VCV001431864.6), dbSNP rs2149390330, ClinGen allele CA2573139030.

ClinVar aggregate classification (germline): Pathogenic (1 of 4 stars; one submission).

Submission:

Labcorp Genetics (formerly Invitae), Labcorp
Classification: Pathogenic. Last evaluated: 2021-08-23. Review status: criteria provided, single submitter. Criteria: Invitae Variant Classification Sherloc (09022015). Collection method: clinical testing. Allele origin: germline.
Comment: For these reasons, this variant has been classified as Pathogenic. This variant has not been reported in the literature in individuals affected with PPP2CA-related conditions. This variant is not present in population databases (ExAC no frequency). This sequence change creates a premature translational stop signal (p.Glu25Aspfs*11) in the PPP2CA gene. It is expected to result in an absent or disrupted protein product. Loss-of-function variants in PPP2CA are known to be pathogenic (PMID: 30595372).

Literature cited by the submitters: PubMed 30595372.